The following is an entry in ClinVar:

ClinVar aggregate classification (germline): Likely pathogenic (1 of 4 stars; one submission).

Submission:

Labcorp Genetics (formerly Invitae), Labcorp
Classification: Likely pathogenic. Last evaluated: 2023-07-28. Review status: criteria provided, single submitter. Criteria: Invitae Variant Classification Sherloc (09022015). Collection method: clinical testing. Allele origin: germline.
Comment: In summary, the currently available evidence indicates that the variant is pathogenic, but additional data are needed to prove that conclusively. Therefore, this variant has been classified as Likely Pathogenic. Algorithms developed to predict the effect of sequence changes on RNA splicing suggest that this variant may disrupt the consensus splice site. This variant has not been reported in the literature in individuals affected with HPS5-related conditions. This variant is not present in population databases (gnomAD no frequency). This sequence change affects a donor splice site in intron 10 of the HPS5 gene. It is expected to disrupt RNA splicing. Variants that disrupt the donor or acceptor splice site typically lead to a loss of protein function (PMID: 16199547), and loss-of-function variants in HPS5 are known to be pathogenic (PMID: 12548288, 15296495, 21833017, 26785811).

Literature cited by the submitters: PubMed 16199547; PubMed 12548288; PubMed 15296495; PubMed 21833017; PubMed 26785811.

NM_181507.2(HPS5):c.1164+2T>C

Gene: HPS5 (HPS5 biogenesis of lysosomal organelles complex 2 subunit 2; minus strand). Cytogenetic location: 11p15.1.
Variant type: single nucleotide variant.
Coding change: c.1164+2T>C on transcript NM_181507.2 (MANE Select); the canonical splice donor site of the intron after coding-DNA position 1164, T replaced by C.
Molecular consequence: splice donor variant.
Genome position (GRCh38, 1-based): chr11:18,298,790, A>G on the plus strand (T>C on the coding strand, the complement: HPS5 is on the minus strand). VCF-style: chr11-18298790-A-G. GRCh37 (hg19) VCF-style: chr11-18320337-A-G.
Other names: c.1053+2T>C (NM_001440914.1, NM_001440913.1, NM_001440915.1); c.1164+2T>C (NM_001440905.1, NM_001440903.1, NM_001440917.1 and 5 more transcripts); c.822+2T>C (NM_001440930.1, NM_007216.4, NM_001440923.1 and 7 more transcripts); c.1089+2T>C (NM_001440909.1, NM_001440907.1, NM_001440908.1); c.750+2T>C (NM_001440929.1, NM_001440928.1, NM_001440927.1); c.951+2T>C (NM_001440919.1); c.978+2T>C (NM_001440918.1).
Identifiers: ClinVar variation 2744504 (VCV002744504.3), dbSNP rs932381652, ClinGen allele CA379497964.